The following is an entry in ClinVar:

NM_080680.3(COL11A2):c.2867T>C (p.Leu956Pro)

Gene: COL11A2 (collagen type XI alpha 2 chain; minus strand). Cytogenetic location: 6p21.32.
Variant type: single nucleotide variant.
Coding change: c.2867T>C on transcript NM_080680.3 (MANE Select); coding-DNA position 2867, T replaced by C.
Protein change: p.Leu956Pro; replaces leucine 956 with proline.
Molecular consequence: missense variant.
Genome position (GRCh38, 1-based): chr6:33,172,561, A>G on the plus strand (T>C on the coding strand, the complement: COL11A2 is on the minus strand). VCF-style: chr6-33172561-A-G. GRCh37 (hg19) VCF-style: chr6-33140338-A-G.
Other names: c.2687T>C, p.Leu896Pro (NM_001424108.1); c.2021T>C, p.Leu674Pro (NM_001424109.1); c.1841T>C, p.Leu614Pro (NM_001424110.1, NM_001424111.1); c.821T>C, p.Leu274Pro (NM_001424112.1); c.2546T>C, p.Leu849Pro (NM_080679.3); c.2609T>C, p.Leu870Pro (NM_080681.3); short protein forms L849P, L956P, L614P, L870P, L896P, L274P, L674P.
Identifiers: ClinVar variation 3687042 (VCV003687042.2).
Genomic context (GRCh38, chr6:33,172,561, plus strand): 5'-ACTTCCCCTCTGCCTGGCCCCTCACTGACCTTTGTTCCTTCTTTTCCAGCTGTCCCAGGT[A>G]GTCCCTGCTCTCCAGGGGGCCCCGGGGGGCCTGGGTGACCTCTCTCCCCCATAGGGCCGG-3'
Protein context (NP_542411.2, residues 946-966): GPPGPPGEQG[Leu956Pro]PGTAGKEGTK

ClinVar aggregate classification (germline): Uncertain significance (1 of 4 stars; one submission).

Submission:

Labcorp Genetics (formerly Invitae), Labcorp
Classification: Uncertain significance. Last evaluated: 2024-03-19. Review status: criteria provided, single submitter. Criteria: Invitae Variant Classification Sherloc (09022015). Collection method: clinical testing. Allele origin: germline.
Comment: This sequence change replaces leucine, which is neutral and non-polar, with proline, which is neutral and non-polar, at codon 956 of the COL11A2 protein (p.Leu956Pro). This variant is not present in population databases (gnomAD no frequency). This variant has not been reported in the literature in individuals affected with COL11A2-related conditions. Advanced modeling of protein sequence and biophysical properties (such as structural, functional, and spatial information, amino acid conservation, physicochemical variation, residue mobility, and thermodynamic stability) performed at Invitae indicates that this missense variant is not expected to disrupt COL11A2 protein function with a negative predictive value of 95%. In summary, the available evidence is currently insufficient to determine the role of this variant in disease. Therefore, it has been classified as a Variant of Uncertain Significance.